The following is an entry in ClinVar:

ClinVar aggregate classification (germline): Likely pathogenic (1 of 4 stars; one submission).

Conditions:
Primary ciliary dyskinesia 5. Also called: CILIARY DYSKINESIA, PRIMARY, 5, WITHOUT SITUS INVERSUS. Identifiers: Orphanet 244, MedGen C1837615, MONDO:0012088, OMIM 608647.

Submission:

3billion
Classification: Likely pathogenic for Primary ciliary dyskinesia 5. Last evaluated: 2023-06-30. Review status: criteria provided, single submitter. Criteria: ACMG Guidelines, 2015. Collection method: clinical testing. Allele origin: germline. Affected: yes.
Comment: The variant is not observed in the gnomAD v2.1.1 dataset. Predicted Consequence/Location: Frameshift: predicted to result in a loss or disruption of normal protein function through nonsense-mediated decay (NMD) or protein truncation. Multiple pathogenic variants are reported downstream of the variant. Therefore, this variant is classified as Likely pathogenic according to the recommendation of ACMG/AMP guideline.

NM_001270974.2(HYDIN):c.3472del (p.Leu1158fs)

Gene: HYDIN (HYDIN axonemal central pair apparatus protein; minus strand). Cytogenetic location: 16q22.2.
Variant type: Deletion.
Coding change: c.3472del on transcript NM_001270974.2 (MANE Select); coding-DNA position 3472, one base deleted (C; older notation c.3472delC).
Protein change: p.Leu1158fs; shifts the reading frame from leucine 1158.
Molecular consequence: frameshift variant.
Genome position (GRCh38, 1-based): chr16:71,018,301, G deleted on the plus strand (C on the coding strand, the reverse complement: HYDIN is on the minus strand); the first of 2 consecutive G bases (chr16:71,018,301-71,018,302); deleting either gives the same sequence. VCF-style (leftmost placement, unchanged base first): chr16-71018300-AG-A. GRCh37 (hg19) VCF-style: chr16-71052203-AG-A.
Other names: short protein forms L1158fs.
Identifiers: ClinVar variation 3775354 (VCV003775354.1).
Genomic context (GRCh38, chr16:71,018,300, plus strand): 5'-CAGCCAAAATCCAGCTCCTTTGTCTCAAAGCTGAGGTTGGGGTAATGCACTTCTCCGCGC[AG>A]GTCCAGGCTGTCTATCTGAGGGTGTTCCACATACTTAATTGCTAGAATTTCTTCTGCCAC-3'